The following is an entry in ClinVar:

NM_004230.4(S1PR2):c.794C>G (p.Pro265Arg)

Gene: S1PR2 (sphingosine-1-phosphate receptor 2; minus strand). Cytogenetic location: 19p13.2.
Variant type: single nucleotide variant.
Coding change: c.794C>G on transcript NM_004230.4 (MANE Select); coding-DNA position 794, C replaced by G.
Protein change: p.Pro265Arg; replaces proline 265 with arginine.
Molecular consequence: missense variant.
Genome position (GRCh38, 1-based): chr19:10,224,112, G>C on the plus strand (C>G on the coding strand, the complement: S1PR2 is on the minus strand). VCF-style: chr19-10224112-G-C. GRCh37 (hg19) VCF-style: chr19-10334788-G-C.
Other names: short protein forms P265R.
Identifiers: ClinVar variation 4537963 (VCV004537963.1).

ClinVar aggregate classification (germline): Uncertain significance (1 of 4 stars; one submission).

gnomAD v4.1: 95 of 1,604,904 alleles (0.0059%); highest among the groups gnomAD compares: South Asian, 0.088%; 2 homozygotes.

Submission:

GeneDx
Classification: Uncertain significance. Last evaluated: 2025-06-09. Review status: criteria provided, single submitter. Criteria: GeneDx Variant Classification Process June 2021. Collection method: clinical testing. Allele origin: germline. Affected: yes.
Comment: In silico analysis supports that this missense variant has a deleterious effect on protein structure/function; Has not been previously published as pathogenic or benign to our knowledge